The following is an entry in ClinVar:

ClinVar aggregate classification (germline): Uncertain significance (1 of 4 stars; one submission).

Conditions:
Glycogen storage disease, type VII (GSD7). Also called: GSD VII; MUSCLE PHOSPHOFRUCTOKINASE DEFICIENCY; PFKM DEFICIENCY; TARUI DISEASE. Identifiers: Orphanet 371, MedGen C0017926, MONDO:0009295, OMIM 232800.

Allele frequency attached by ClinVar (database versions not stated): gnomAD exomes below 0.00001.
gnomAD v4.1: 1 of 1,613,976 alleles (0.000062%); highest among the groups gnomAD compares: Non-Finnish European, 0.000085%; no homozygotes.

Submission:

Labcorp Genetics (formerly Invitae), Labcorp
Classification: Uncertain significance for Glycogen storage disease, type VII. Last evaluated: 2024-10-29. Review status: criteria provided, single submitter. Criteria: Invitae Variant Classification Sherloc (09022015). Collection method: clinical testing. Allele origin: germline.
Comment: This sequence change replaces glycine, which is neutral and non-polar, with valine, which is neutral and non-polar, at codon 171 of the PFKM protein (p.Gly171Val). This variant is not present in population databases (gnomAD no frequency). This variant has not been reported in the literature in individuals affected with PFKM-related conditions. ClinVar contains an entry for this variant (Variation ID: 1715745). Invitae Evidence Modeling of protein sequence and biophysical properties (such as structural, functional, and spatial information, amino acid conservation, physicochemical variation, residue mobility, and thermodynamic stability) indicates that this missense variant is expected to disrupt PFKM protein function with a positive predictive value of 95%. In summary, the available evidence is currently insufficient to determine the role of this variant in disease. Therefore, it has been classified as a Variant of Uncertain Significance.

NM_000289.6(PFKM):c.512G>T (p.Gly171Val)

Gene: PFKM (phosphofructokinase, muscle; plus strand). Cytogenetic location: 12q13.11.
Variant type: single nucleotide variant.
Coding change: c.512G>T on transcript NM_000289.6 (MANE Select); coding-DNA position 512, G replaced by T.
Protein change: p.Gly171Val; replaces glycine 171 with valine.
Molecular consequence: missense variant. On other transcripts: non-coding transcript variant (6).
Genome position (GRCh38, 1-based): chr12:48,133,399, G>T. VCF-style: chr12-48133399-G-T. GRCh37 (hg19) VCF-style: chr12-48527182-G-T.
Other names: c.725G>T, p.Gly242Val (NM_001166686.2, NM_001354737.1, NM_001354738.1 and 1 more transcripts); c.512G>T, p.Gly171Val (NM_001166687.2, NM_001166688.2, NM_001354742.2 and 4 more transcripts); c.821G>T, p.Gly274Val (NM_001354735.1, NM_001354736.1); c.656G>T, p.Gly219Val (NM_001354740.1); c.536G>T, p.Gly179Val (NM_001354741.2); c.425G>T, p.Gly142Val (NM_001354745.2); c.362G>T, p.Gly121Val (NM_001354747.2, NM_001354748.2); short protein forms G121V, G142V, G171V, G179V, G219V, G242V, G274V.
Identifiers: ClinVar variation 1715745 (VCV001715745.4), dbSNP rs2498312655, ClinGen allele CA384543205.
Genomic context (GRCh38, chr12:48,133,399, plus strand): 5'-CGAAGTCCAGCTACCTGAACATTGTGGGCCTGGTTGGGTCAATTGACAATGACTTCTGTG[G>T]CACCGATATGACCATTGGCACTGACTCTGCCCTGCATCGGATCATGGAAATTGTAGATGC-3'
Protein context (NP_000280.1, residues 161-181): LVGSIDNDFC[Gly171Val]TDMTIGTDSA